The following is an entry in ClinVar:

NM_004318.4(ASPH):c.1384G>A (p.Val462Met)

Gene: ASPH (aspartate beta-hydroxylase; minus strand). Cytogenetic location: 8q12.3.
Variant type: single nucleotide variant.
Coding change: c.1384G>A on transcript NM_004318.4 (MANE Select); coding-DNA position 1384, G replaced by A.
Protein change: p.Val462Met; replaces valine 462 with methionine.
Molecular consequence: missense variant.
Genome position (GRCh38, 1-based): chr8:61,562,797, C>T on the plus strand (G>A on the coding strand, the complement: ASPH is on the minus strand). VCF-style: chr8-61562797-C-T. GRCh37 (hg19) VCF-style: chr8-62475356-C-T.
Other names: c.1297G>A, p.Val433Met (NM_001164750.2); c.1384G>A (NM_004318.3); short protein forms V462M, V433M.
Identifiers: ClinVar variation 1449390 (VCV001449390.6), dbSNP rs200072789, ClinGen allele CA4761751.

ClinVar aggregate classification (germline): Uncertain significance. Review status: criteria provided, multiple submitters, no conflicts (2 of 4 stars). 2 submissions from 2 submitters: Uncertain significance (2). Last evaluated 2026-01-05.

Conditions:
Inborn genetic diseases. Identifiers: MedGen C0950123, MeSH D030342.

Allele frequency attached by ClinVar (database versions not stated): ESP Exome Variant Server 0.00008; 1000 Genomes Project 0.00020; 1000 Genomes Project 30x 0.00031.
gnomAD v4.1: 76 of 1,612,354 alleles (0.0047%); highest among the groups gnomAD compares: Middle Eastern, 0.017%; 1 homozygote.

Submissions (2):

Labcorp Genetics (formerly Invitae), Labcorp
Classification: Uncertain significance. Last evaluated: 2026-01-05. Review status: criteria provided, single submitter. Criteria: Invitae Variant Classification Sherloc (09022015). Collection method: clinical testing. Allele origin: germline.
Comment: This sequence change replaces valine, which is neutral and non-polar, with methionine, which is neutral and non-polar, at codon 462 of the ASPH protein (p.Val462Met). This variant is present in population databases (rs200072789, gnomAD 0.008%). This variant has not been reported in the literature in individuals affected with ASPH-related conditions. ClinVar contains an entry for this variant (Variation ID: 1449390). An algorithm developed to predict the effect of missense changes on protein structure and function (PolyPhen-2) suggests that this variant is likely to be disruptive. In summary, the available evidence is currently insufficient to determine the role of this variant in disease. Therefore, it has been classified as a Variant of Uncertain Significance.

Ambry Genetics
Classification: Uncertain significance for Inborn genetic diseases. Last evaluated: 2024-12-16. Review status: criteria provided, single submitter. Criteria: Ambry Variant Classification Scheme 2023. Collection method: clinical testing. Allele origin: germline.